The following is an entry in ClinVar:

ClinVar aggregate classification (germline): Likely pathogenic (1 of 4 stars; one submission).

Submission:

Labcorp Genetics (formerly Invitae), Labcorp
Classification: Likely pathogenic. Last evaluated: 2022-08-16. Review status: criteria provided, single submitter. Criteria: Invitae Variant Classification Sherloc (09022015). Collection method: clinical testing. Allele origin: germline.
Comment: This variant is not present in population databases (gnomAD no frequency). This variant has not been reported in the literature in individuals affected with ERCC8-related conditions. ClinVar contains an entry for this variant (Variation ID: 1068064). Algorithms developed to predict the effect of sequence changes on RNA splicing suggest that this variant may disrupt the consensus splice site. In summary, the currently available evidence indicates that the variant is pathogenic, but additional data are needed to prove that conclusively. Therefore, this variant has been classified as Likely Pathogenic. This sequence change affects an acceptor splice site in intron 5 of the ERCC8 gene. It is expected to disrupt RNA splicing. Variants that disrupt the donor or acceptor splice site typically lead to a loss of protein function (PMID: 16199547), and loss-of-function variants in ERCC8 are known to be pathogenic (PMID: 29572252).

Literature cited by the submitters: PubMed 16199547; PubMed 29572252.

NM_000082.4(ERCC8):c.482-2A>T

Gene: ERCC8 (ERCC excision repair 8, CSA ubiquitin ligase complex subunit; minus strand). Cytogenetic location: 5q12.1.
Variant type: single nucleotide variant.
Coding change: c.482-2A>T on transcript NM_000082.4 (MANE Select); the canonical splice acceptor site of the intron before coding-DNA position 482, A replaced by T.
Molecular consequence: splice acceptor variant.
Genome position (GRCh38, 1-based): chr5:60,903,718, T>A on the plus strand (A>T on the coding strand, the complement: ERCC8 is on the minus strand). VCF-style: chr5-60903718-T-A. GRCh37 (hg19) VCF-style: chr5-60199545-T-A.
Other names: c.23-2A>T (NM_001290285.2); c.308-2A>T (NM_001007233.3); c.482-2A>T (NM_001007234.3).
Identifiers: ClinVar variation 1068064 (VCV001068064.7), dbSNP rs1554073420, ClinGen allele CA359827008.
Genomic context (GRCh38, chr5:60,903,718, plus strand): 5'-GTGAGAACAGGATCCAGACTTCAAGTCACAAAGTTGTACTTTGGGTCCTCTAGTACCAAC[T>A]GTAAAAACAGAACCGGTTTAAGATAATTTTATCATAAGTCATCATCAAAAGGAAACAAGA-3'